The following is an entry in ClinVar:

NM_001374736.1(DST):c.15163G>A (p.Ala5055Thr)

Gene: DST (dystonin; minus strand). Cytogenetic location: 6p12.1.
Variant type: single nucleotide variant.
Coding change: c.15163G>A on transcript NM_001374736.1 (MANE Select); coding-DNA position 15163, G replaced by A.
Protein change: p.Ala5055Thr; replaces alanine 5055 with threonine.
Molecular consequence: missense variant.
Genome position (GRCh38, 1-based): chr6:56,553,629, C>T on the plus strand (G>A on the coding strand, the complement: DST is on the minus strand). VCF-style: chr6-56553629-C-T. GRCh37 (hg19) VCF-style: chr6-56418427-C-T.
Other names: c.8806G>A, p.Ala2936Thr (NM_001144769.5); c.8392G>A, p.Ala2798Thr (NM_001144770.2); c.15163G>A, p.Ala5055Thr (NM_001374722.1); c.14530G>A, p.Ala4844Thr (NM_001374729.1); c.8272G>A, p.Ala2758Thr (NM_001374730.1, NM_001386100.1, NM_183380.4); c.15190G>A, p.Ala5064Thr (NM_001374734.1); c.7294G>A, p.Ala2432Thr (NM_015548.5); short protein forms A2758T, A2798T, A2432T, A4844T, A5055T, A5064T, A2936T.
Identifiers: ClinVar variation 1478113 (VCV001478113.8), dbSNP rs2152556412, ClinGen allele CA364518042.

ClinVar aggregate classification (germline): Uncertain significance. Review status: criteria provided, multiple submitters, no conflicts (2 of 4 stars). 2 submissions from 2 submitters: Uncertain significance (2). Last evaluated 2021-02-09.

Conditions:
Hereditary sensory and autonomic neuropathy type 6. Also called: Neuropathy, hereditary sensory and autonomic, type VI; HSAN VI. Identifiers: Orphanet 314381, MedGen C3539003, MONDO:0013839, OMIM 614653.
Epidermolysis bullosa simplex 3, localized or generalized intermediate, with BP230 deficiency (EBS3). Also called: Epidermolysis bullosa simplex due to BP230 deficiency; Epidermolysis bullosa simplex, autosomal recessive 2. Identifiers: Orphanet 412181, MedGen C3809470, MONDO:0014180, OMIM 615425.
Inborn genetic diseases. Identifiers: MedGen C0950123, MeSH D030342.

gnomAD v4.1: 4 of 1,613,250 alleles (0.00025%); highest among the groups gnomAD compares: Non-Finnish European, 0.00025%; no homozygotes.

Submissions (2):

Labcorp Genetics (formerly Invitae), Labcorp
Classification: Uncertain significance for Epidermolysis bullosa simplex 3, localized or generalized intermediate, with BP230 deficiency; Hereditary sensory and autonomic neuropathy type 6. Last evaluated: 2021-02-09. Review status: criteria provided, single submitter. Criteria: Invitae Variant Classification Sherloc (09022015). Collection method: clinical testing. Allele origin: germline.
Comment: In summary, the available evidence is currently insufficient to determine the role of this variant in disease. Therefore, it has been classified as a Variant of Uncertain Significance. Experimental studies and prediction algorithms are not available or were not evaluated, and the functional significance of this variant is currently unknown. This variant has not been reported in the literature in individuals with DST-related conditions. This variant is not present in population databases (ExAC no frequency). This sequence change replaces alanine with threonine at codon 2432 of the DST protein (p.Ala2432Thr). The DST gene has multiple clinically relevant transcripts. This variant occurs in alternate transcript NM_015548.4, and corresponds to NM_001723.5:c.*61888G>A in the primary transcript.

Ambry Genetics
Classification: Uncertain significance for Inborn genetic diseases. Last evaluated: 2019-12-27. Review status: criteria provided, single submitter. Criteria: Ambry Variant Classification Scheme 2023. Collection method: clinical testing. Allele origin: germline.
Comment: The p.A2936T variant (also known as c.8806G>A), located in coding exon 55 of the DST gene, results from a G to A substitution at nucleotide position 8806. The alanine at codon 2936 is replaced by threonine, an amino acid with similar properties. This amino acid position is well conserved in available vertebrate species; however, threonine is the reference amino acid in other vertebrate species. In addition, the in silico prediction for this alteration is inconclusive. Since supporting evidence is limited at this time, the clinical significance of this alteration remains unclear.